The following is an entry in ClinVar:

NM_001134407.3(GRIN2A):c.2933_2934del (p.Tyr978fs)

Gene: GRIN2A (glutamate ionotropic receptor NMDA type subunit 2A; minus strand). Cytogenetic location: 16p13.2.
Variant type: Deletion.
Coding change: c.2933_2934del on transcript NM_001134407.3 (MANE Select); coding-DNA positions 2933 to 2934, 2 bases deleted (AT; older notation c.2933_2934delAT).
Protein change: p.Tyr978fs; shifts the reading frame from tyrosine 978.
Molecular consequence: frameshift variant.
Genome position (GRCh38, 1-based): chr16:9,764,610-9,764,611, AT deleted on the plus strand (AT on the coding strand, the reverse complement: GRIN2A is on the minus strand); deleting any 2 consecutive bases within chr16:9,764,610-9,764,612 gives the same sequence; the c. name uses the placement nearest the transcript's 3' end. VCF-style (leftmost placement, unchanged base first): chr16-9764609-CAT-C. GRCh37 (hg19) VCF-style: chr16-9858466-CAT-C.
Other names: c.2933_2934del, p.Tyr978fs (NM_000833.5, NM_001134408.2); short protein forms Y978fs.
Identifiers: ClinVar variation 3716984 (VCV003716984.2).

ClinVar aggregate classification (germline): Pathogenic (1 of 4 stars; one submission).

Conditions:
Landau-Kleffner syndrome (FESD). Also called: EPILEPSY, FOCAL, WITH SPEECH DISORDER AND WITH OR WITHOUT MENTAL RETARDATION; APHASIA, ACQUIRED, WITH EPILEPSY. Identifiers: Orphanet 1945, Orphanet 725, Orphanet 98818, MedGen C0282512, MONDO:0009509, OMIM 245570.

Submission:

Labcorp Genetics (formerly Invitae), Labcorp
Classification: Pathogenic for Landau-Kleffner syndrome. Last evaluated: 2024-09-14. Review status: criteria provided, single submitter. Criteria: Invitae Variant Classification Sherloc (09022015). Collection method: clinical testing. Allele origin: germline.
Comment: This sequence change creates a premature translational stop signal (p.Tyr978Cysfs*12) in the GRIN2A gene. While this is not anticipated to result in nonsense mediated decay, it is expected to disrupt the last 487 amino acid(s) of the GRIN2A protein. This variant is not present in population databases (gnomAD no frequency). This variant has not been reported in the literature in individuals affected with GRIN2A-related conditions. This variant disrupts a region of the GRIN2A protein in which other variant(s) (p.Ser1356Cys) have been determined to be pathogenic (internal data). This suggests that this is a clinically significant region of the protein, and that variants that disrupt it are likely to be disease-causing. For these reasons, this variant has been classified as Pathogenic.